The following is an entry in ClinVar:

NM_006206.6(PDGFRA):c.35G>A (p.Gly12Asp)

Gene: PDGFRA (platelet derived growth factor receptor alpha; plus strand). Cytogenetic location: 4q12.
Variant type: single nucleotide variant.
Coding change: c.35G>A on transcript NM_006206.6 (MANE Select); coding-DNA position 35, G replaced by A.
Protein change: p.Gly12Asp; replaces glycine 12 with aspartic acid.
Molecular consequence: missense variant.
Genome position (GRCh38, 1-based): chr4:54,258,803, G>A. VCF-style: chr4-54258803-G-A. GRCh37 (hg19) VCF-style: chr4-55124970-G-A.
Other names: c.35G>A, p.Gly12Asp (NM_001347827.2, NM_001347829.2); c.110G>A, p.Gly37Asp (NM_001347828.2); c.74G>A, p.Gly25Asp (NM_001347830.2); short protein forms G12D, G37D, G25D.
Identifiers: ClinVar variation 4664693 (VCV004664693.1).

ClinVar aggregate classification (germline): Uncertain significance (1 of 4 stars; one submission).

Conditions:
Hereditary cancer-predisposing syndrome. Also called: Neoplastic Syndromes, Hereditary; Tumor predisposition; Hereditary Cancer Syndrome; Hereditary neoplastic syndrome. Identifiers: Orphanet 140162, MedGen C0027672, MeSH D009386, MONDO:0015356.

gnomAD v4.1: 1 of 1,613,732 alleles (0.000062%); highest among the groups gnomAD compares: Non-Finnish European, 0.000085%; no homozygotes.

Submission:

Ambry Genetics
Classification: Uncertain significance for Hereditary cancer-predisposing syndrome. Last evaluated: 2025-10-01. Review status: criteria provided, single submitter. Criteria: Ambry Variant Classification Scheme 2023. Collection method: clinical testing. Allele origin: germline.
Comment: The p.G12D variant (also known as c.35G>A), located in coding exon 1 of the PDGFRA gene, results from a G to A substitution at nucleotide position 35. The glycine at codon 12 is replaced by aspartic acid, an amino acid with similar properties. This amino acid position is well conserved in available vertebrate species. In addition, this alteration is predicted to be tolerated by in silico analysis. Based on the available evidence, the clinical significance of this variant remains unclear.